The following is an entry in ClinVar:

NC_000012.12:g.(?_132672205)_(132681289_?)del

Gene: POLE (DNA polymerase epsilon, catalytic subunit; minus strand). Cytogenetic location: 12q24.33.
Variant type: Deletion.
Identifiers: ClinVar variation 657393 (VCV000657393.4).

ClinVar aggregate classification (germline): Pathogenic (1 of 4 stars; one submission).

Submission:

Labcorp Genetics (formerly Invitae), Labcorp
Classification: Pathogenic. Last evaluated: 2023-09-06. Review status: criteria provided, single submitter. Criteria: Invitae Variant Classification Sherloc (09022015). Collection method: clinical testing. Allele origin: germline.
Comment: This variant is a gross deletion of the genomic region encompassing exon(s) 2-16 of the POLE gene. This deletion is out-of-frame, and is expected to create a premature termination codon and result in an absent or disrupted protein product. Loss-of-function variants in POLE are known to be pathogenic (PMID: 23230001, 25948378, 30503519). This variant has not been reported in the literature in individuals affected with POLE-related conditions. For these reasons, this variant has been classified as Pathogenic.

Literature cited by the submitters: PubMed 23230001; PubMed 25948378; PubMed 30503519.